The following is an entry in ClinVar:

ClinVar aggregate classification (germline): Conflicting classifications of pathogenicity. Review status: criteria provided, conflicting classifications (1 of 4 stars). 4 submissions from 4 submitters: Uncertain significance (3); Likely benign (1). Last evaluated 2025-01-27.

Conditions:
Inborn genetic diseases. Identifiers: MedGen C0950123, MeSH D030342.
Nephronophthisis. Also called: Juvenile Nephronophthisis. Identifiers: Orphanet 655, MedGen C0687120, MONDO:0019005, HP:0000090.
Senior-Loken syndrome 5 (SLSN5). Identifiers: Orphanet 3156, MedGen C1836517, MONDO:0012225, OMIM 609254.

Allele frequency attached by ClinVar (database versions not stated): ExAC 0.00002; gnomAD 0.00003; TOPMed 0.00003; gnomAD exomes 0.00004 and 0.00005.
gnomAD v4.1: 86 of 1,612,542 alleles (0.0053%); highest among the groups gnomAD compares: Non-Finnish European, 0.0069%; no homozygotes.

Submissions (4):

Ambry Genetics
Classification: Likely benign for Inborn genetic diseases. Last evaluated: 2025-01-27. Review status: criteria provided, single submitter. Criteria: Ambry Variant Classification Scheme 2023. Collection method: clinical testing. Allele origin: germline.

Blueprint Genetics
Classification: Uncertain significance. Last evaluated: 2022-11-19. Review status: criteria provided, single submitter. Criteria: ACMG Guidelines, 2015. Collection method: clinical testing. Allele origin: germline.

Labcorp Genetics (formerly Invitae), Labcorp
Classification: Uncertain significance for Nephronophthisis. Last evaluated: 2022-07-19. Review status: criteria provided, single submitter. Criteria: Invitae Variant Classification Sherloc (09022015). Collection method: clinical testing. Allele origin: germline.
Comment: This sequence change replaces alanine, which is neutral and non-polar, with threonine, which is neutral and polar, at codon 427 of the IQCB1 protein (p.Ala427Thr). This variant is present in population databases (rs776989189, gnomAD 0.008%). This variant has not been reported in the literature in individuals affected with IQCB1-related conditions. ClinVar contains an entry for this variant (Variation ID: 1515106). Algorithms developed to predict the effect of missense changes on protein structure and function output the following: SIFT: "Tolerated"; PolyPhen-2: "Benign"; Align-GVGD: "Class C0". The threonine amino acid residue is found in multiple mammalian species, which suggests that this missense change does not adversely affect protein function. In summary, the available evidence is currently insufficient to determine the role of this variant in disease. Therefore, it has been classified as a Variant of Uncertain Significance.

Fulgent Genetics
Classification: Uncertain significance for Senior-Loken syndrome 5. Last evaluated: 2022-01-07. Review status: criteria provided, single submitter. Criteria: ACMG Guidelines, 2015. Collection method: clinical testing. Allele origin: unknown.

NM_001023570.4(IQCB1):c.1279G>A (p.Ala427Thr)

Gene: IQCB1 (IQ motif containing B1; minus strand). Cytogenetic location: 3q13.33.
Variant type: single nucleotide variant.
Coding change: c.1279G>A on transcript NM_001023570.4 (MANE Select); coding-DNA position 1279, G replaced by A.
Protein change: p.Ala427Thr; replaces alanine 427 with threonine.
Molecular consequence: missense variant. On other transcripts: non-coding transcript variant (1).
Genome position (GRCh38, 1-based): chr3:121,781,874, C>T on the plus strand (G>A on the coding strand, the complement: IQCB1 is on the minus strand). VCF-style: chr3-121781874-C-T. GRCh37 (hg19) VCF-style: chr3-121500721-C-T.
Other names: c.880G>A, p.Ala294Thr (NM_001023571.4); c.1279G>A, p.Ala427Thr (NM_001319107.2); c.1279G>A (NM_001023570.2); short protein forms A427T, A294T.
Identifiers: ClinVar variation 1515106 (VCV001515106.8), dbSNP rs776989189, ClinGen allele CA2567138.